The following is an entry in ClinVar:

ClinVar aggregate classification (germline): Uncertain significance (1 of 4 stars; one submission).

Submission:

GeneDx
Classification: Uncertain significance. Last evaluated: 2016-12-08. Review status: criteria provided, single submitter. Criteria: GeneDx Variant Classification (06012015). Collection method: clinical testing. Allele origin: germline. Affected: yes.
Comment: The c.985_987delATC variant in the PRRT2 gene has not been reported previously as a pathogenic variant, nor as a benign variant, to our knowledge. The c.985_987delATC variant causes an in-frame deletion of single amino acid residue, involving codon Isoleucine 329, denoted p.I329del. This deletion occurs at a position where amino acids with similar properties to Isoleucine are tolerated across species. In silico analysis predicts this variant is probably damaging to the protein structure/function. The c.985_987delATC variant was not observed in approximately 6500 individuals of European and African American ancestry in the NHLBI Exome Sequencing Project, indicating it is not a common benign variant in these populations. Therefore, we interpret c.985_987delATC as a variant of uncertain significance.

NM_145239.3(PRRT2):c.979ATC[2] (p.Ile329del)

Genes: MVP-DT (MVP divergent transcript; minus strand), PRRT2 (proline rich transmembrane protein 2; plus strand). Cytogenetic location: 16p11.2.
Variant type: Microsatellite.
Coding change: c.979ATC[2] on transcript NM_145239.3 (MANE Select); two copies in a row of the 3-base unit ATC starting at c.979; the reference has three copies in a row; one copy, 3 bases deleted.
Protein change: p.Ile329del; deletes isoleucine 329.
Molecular consequence: inframe deletion. On other transcripts: 3 prime UTR variant (1).
Genome position (GRCh38, 1-based): chr16:29,814,438-29,814,440, ATC deleted; deleting any 3 consecutive bases within chr16:29,814,430-29,814,440 gives the same sequence; the position shown is the placement nearest the transcript's 3' end. VCF-style (leftmost placement, unchanged base first): chr16-29814429-CTCA-C. GRCh37 (hg19) VCF-style: chr16-29825750-CTCA-C.
Other names: c.979ATC[2], p.Ile329del (NM_001256442.2); c.*478ATC[2] (NM_001256443.2); short protein forms I329del.
Identifiers: ClinVar variation 373365 (VCV000373365.1), dbSNP rs1057518374, ClinGen allele CA16043082.